The following is an entry in ClinVar:

NM_001903.5(CTNNA1):c.614A>G (p.Asp205Gly)

Gene: CTNNA1 (catenin alpha 1; plus strand). Cytogenetic location: 5q31.2.
Variant type: single nucleotide variant.
Coding change: c.614A>G on transcript NM_001903.5 (MANE Select); coding-DNA position 614, A replaced by G.
Protein change: p.Asp205Gly; replaces aspartic acid 205 with glycine.
Molecular consequence: missense variant.
Genome position (GRCh38, 1-based): chr5:138,824,555, A>G. VCF-style: chr5-138824555-A-G. GRCh37 (hg19) VCF-style: chr5-138160244-A-G.
Other names: c.614A>G, p.Asp205Gly (NM_001290307.3, NM_001323982.2, NM_001323983.1 and 3 more transcripts); c.305A>G, p.Asp102Gly (NM_001290309.3); c.245A>G, p.Asp82Gly (NM_001290310.3); short protein forms D102G, D205G, D82G.
Identifiers: ClinVar variation 664375 (VCV000664375.8), dbSNP rs772365627, ClinGen allele CA361129453.

ClinVar aggregate classification (germline): Uncertain significance (1 of 4 stars; one submission).

Submission:

Labcorp Genetics (formerly Invitae), Labcorp
Classification: Uncertain significance. Last evaluated: 2025-01-06. Review status: criteria provided, single submitter. Criteria: Invitae Variant Classification Sherloc (09022015). Collection method: clinical testing. Allele origin: germline.
Comment: This sequence change replaces aspartic acid, which is acidic and polar, with glycine, which is neutral and non-polar, at codon 205 of the CTNNA1 protein (p.Asp205Gly). This variant is not present in population databases (gnomAD no frequency). This variant has not been reported in the literature in individuals affected with CTNNA1-related conditions. ClinVar contains an entry for this variant (Variation ID: 664375). Invitae Evidence Modeling of protein sequence and biophysical properties (such as structural, functional, and spatial information, amino acid conservation, physicochemical variation, residue mobility, and thermodynamic stability) has been performed for this missense variant. However, the output from this modeling did not meet the statistical confidence thresholds required to predict the impact of this variant on CTNNA1 protein function. In summary, the available evidence is currently insufficient to determine the role of this variant in disease. Therefore, it has been classified as a Variant of Uncertain Significance.